The following is an entry in ClinVar:

ClinVar aggregate classification (germline): Uncertain significance (1 of 4 stars; one submission).

Conditions:
Inborn genetic diseases. Identifiers: MedGen C0950123, MeSH D030342.

gnomAD v4.1: 13 of 1,613,630 alleles (0.00081%); highest among the groups gnomAD compares: African/African-American, 0.0013%; no homozygotes.

Submission:

Ambry Genetics
Classification: Uncertain significance for Inborn genetic diseases. Last evaluated: 2022-01-16. Review status: criteria provided, single submitter. Criteria: Ambry Variant Classification Scheme 2023. Collection method: clinical testing. Allele origin: germline.
Comment: The c.1219C>T (p.R407*) alteration, located in exon 11 (coding exon 10) of the FAM126A gene, consists of a C to T substitution at nucleotide position 1219. This changes the amino acid from a arginine (R) to a stop codon at amino acid position 407. Premature stop codons are typically deleterious in nature (Richards, 2015). Based on insufficient or conflicting evidence, the clinical significance of this alteration remains unclear.

NM_032581.4(HYCC1):c.1219C>T (p.Arg407Ter)

Gene: HYCC1 (hyccin PI4KA lipid kinase complex subunit 1; minus strand). Cytogenetic location: 7p15.3.
Variant type: single nucleotide variant.
Coding change: c.1219C>T on transcript NM_032581.4 (MANE Select); coding-DNA position 1219, C replaced by T.
Protein change: p.Arg407Ter; replaces arginine 407 with a stop codon.
Molecular consequence: nonsense. On other transcripts: 3 prime UTR variant (2).
Genome position (GRCh38, 1-based): chr7:22,945,936, G>A on the plus strand (C>T on the coding strand, the complement: HYCC1 is on the minus strand). VCF-style: chr7-22945936-G-A. GRCh37 (hg19) VCF-style: chr7-22985555-G-A.
Other names: c.*255C>T (NM_001363466.2); c.*213C>T (NM_001363467.2); short protein forms R407*.
Identifiers: ClinVar variation 3107690 (VCV003107690.1), dbSNP rs1176519120, ClinGen allele CA366970191.
Genomic context (GRCh38, chr7:22,945,936, plus strand): 5'-TAAGTCTCTTCAAAGAGAGAAGCTCAAGATTCTCACTTTGGGCTCTCTGAGTTTGTTTTC[G>A]AGCAAAGTGATCTTTGCAAGATTCCCCTGTAGTTTCTTTTTCTTTTCCTCCAGTTTTGCT-3'